The following is an entry in ClinVar:

NM_003072.5(SMARCA4):c.848C>T (p.Pro283Leu)

Gene: SMARCA4 (SWI/SNF related BAF chromatin remodeling complex subunit ATPase 4; plus strand). Cytogenetic location: 19p13.2.
Variant type: single nucleotide variant.
Coding change: c.848C>T on transcript NM_003072.5 (MANE Select); coding-DNA position 848, C replaced by T.
Protein change: p.Pro283Leu; replaces proline 283 with leucine.
Molecular consequence: missense variant. On other transcripts: non-coding transcript variant (1).
Genome position (GRCh38, 1-based): chr19:10,986,992, C>T. VCF-style: chr19-10986992-C-T. GRCh37 (hg19) VCF-style: chr19-11097668-C-T.
Other names: c.848C>T, p.Pro283Leu (NM_001128844.3, NM_001128845.2, NM_001128846.2 and 5 more transcripts); short protein forms P283L.
Identifiers: ClinVar variation 570016 (VCV000570016.9), dbSNP rs1568425141, ClinGen allele CA404058151.

ClinVar aggregate classification (germline): Uncertain significance. Review status: criteria provided, multiple submitters, no conflicts (2 of 4 stars). 2 submissions from 2 submitters: Uncertain significance (2). Last evaluated 2025-08-23.

Conditions:
Rhabdoid tumor predisposition syndrome 2 (RTPS2). Identifiers: Orphanet 231108, Orphanet 69077, MedGen C2750074, MONDO:0013224, OMIM 613325.
Hereditary cancer-predisposing syndrome. Also called: Hereditary neoplastic syndrome; Tumor predisposition; Neoplastic Syndromes, Hereditary; Hereditary Cancer Syndrome. Identifiers: Orphanet 140162, MedGen C0027672, MeSH D009386, MONDO:0015356.

Submissions (2):

Ambry Genetics
Classification: Uncertain significance for Hereditary cancer-predisposing syndrome. Last evaluated: 2025-08-23. Review status: criteria provided, single submitter. Criteria: Ambry Variant Classification Scheme 2023. Collection method: clinical testing. Allele origin: germline.
Comment: The p.P283L variant (also known as c.848C>T), located in coding exon 4 of the SMARCA4 gene, results from a C to T substitution at nucleotide position 848. The proline at codon 283 is replaced by leucine, an amino acid with similar properties. This amino acid position is conserved. In addition, the in silico prediction for this alteration is inconclusive. Based on the available evidence, the clinical significance of this variant remains unclear.

Labcorp Genetics (formerly Invitae), Labcorp
Classification: Uncertain significance for Rhabdoid tumor predisposition syndrome 2. Last evaluated: 2018-02-15. Review status: criteria provided, single submitter. Criteria: Invitae Variant Classification Sherloc (09022015). Collection method: clinical testing. Allele origin: germline.
Comment: This sequence change replaces proline with leucine at codon 283 of the SMARCA4 protein (p.Pro283Leu). The proline residue is highly conserved and there is a moderate physicochemical difference between proline and leucine. In summary, the available evidence is currently insufficient to determine the role of this variant in disease. Therefore, it has been classified as a Variant of Uncertain Significance. Algorithms developed to predict the effect of missense changes on protein structure and function do not agree on the potential impact of this missense change (SIFT: "Deleterious"; PolyPhen-2: "Benign"; Align-GVGD: "Class C15"). This variant has not been reported in the literature in individuals with SMARCA4-related disease. This variant is not present in population databases (ExAC no frequency).